The following is an entry in ClinVar:

ClinVar aggregate classification (germline): Likely benign. Review status: criteria provided, multiple submitters, no conflicts (2 of 4 stars). 3 submissions from 3 submitters: Likely benign (2). 1 of the submissions does not count toward it. Last evaluated 2025-03-19.

Conditions:
Autosomal dominant hypocalcemia 1 (HYPOC1). Also called: HYPOCALCEMIA, FAMILIAL. Identifiers: MedGen C3715128, MONDO:0011013, OMIM 601198.
Familial hypocalciuric hypercalcemia (FHH). Also called: Familial benign hypercalcemia. Identifiers: Orphanet 405, MedGen C1809471, MONDO:0018458.
Nephrolithiasis/nephrocalcinosis. Identifiers: MedGen CN580796.
CASR-related disorder. Also called: CASR-related condition.

Allele frequency attached by ClinVar (database versions not stated): gnomAD exomes 0.00001 and 0.00002; ExAC 0.00003.
gnomAD v4.1: 12 of 1,614,000 alleles (0.00074%); highest among the groups gnomAD compares: South Asian, 0.012%; no homozygotes.

Submissions (3):

Labcorp Genetics (formerly Invitae), Labcorp
Classification: Likely benign for Familial hypocalciuric hypercalcemia; Autosomal dominant hypocalcemia 1. Last evaluated: 2025-03-19. Review status: criteria provided, single submitter. Criteria: Invitae Variant Classification Sherloc (09022015). Collection method: clinical testing. Allele origin: germline.

Ambry Genetics
Classification: Likely benign for Nephrolithiasis/nephrocalcinosis. Last evaluated: 2021-04-06. Review status: criteria provided, single submitter. Criteria: Ambry Variant Classification Scheme 2023. Collection method: clinical testing. Allele origin: germline.

PreventionGenetics, part of Exact Sciences
Classification: Likely benign for CASR-related condition. Last evaluated: 2024-04-04. Review status: no assertion criteria provided. Collection method: clinical testing. Allele origin: germline. Not counted in ClinVar's aggregate classification.
Comment: This variant is classified as likely benign based on ACMG/AMP sequence variant interpretation guidelines (Richards et al. 2015 PMID: 25741868, with internal and published modifications).

NM_000388.4(CASR):c.1914C>T (p.Arg638=)

Gene: CASR (calcium sensing receptor; plus strand). Cytogenetic location: 3q21.1.
Variant type: single nucleotide variant.
Coding change: c.1914C>T on transcript NM_000388.4 (MANE Select); coding-DNA position 1914, C replaced by T.
Protein change: p.Arg638=; no amino-acid change (arginine 638 retained).
Molecular consequence: synonymous variant.
Genome position (GRCh38, 1-based): chr3:122,283,868, C>T. VCF-style: chr3-122283868-C-T. GRCh37 (hg19) VCF-style: chr3-122002715-C-T.
Other names: c.1944C>T (NM_001178065.1); c.1944C>T, p.Arg648= (NM_001178065.2).
Identifiers: ClinVar variation 1113417 (VCV001113417.12), dbSNP rs758587851, ClinGen allele CA2569761.
Genomic context (GRCh38, chr3:122,283,868, plus strand): 5'-CTTTGCCGTGCTGGGCATTTTCCTGACAGCCTTTGTGCTGGGTGTGTTTATCAAGTTCCG[C>T]AACACACCCATTGTCAAGGCCACCAACCGAGAGCTCTCCTACCTCCTCCTCTTCTCCCTG-3'
Protein context (NP_000379.3, residues 628-648): AFVLGVFIKF[Arg638=]NTPIVKATNR